The following is an entry in ClinVar:

ClinVar aggregate classification (germline): Conflicting classifications of pathogenicity. Review status: criteria provided, conflicting classifications (1 of 4 stars). 2 submissions from 2 submitters: Uncertain significance (1); Likely benign (1). Last evaluated 2025-07-17.

Allele frequency attached by ClinVar (database versions not stated): ESP Exome Variant Server 0.00008; gnomAD exomes 0.00010 and 0.00018; gnomAD 0.00012 and 0.00013; ExAC 0.00013; TOPMed 0.00015; 1000 Genomes Project 0.00020; 1000 Genomes Project 30x 0.00031.
gnomAD v4.1: 180 of 1,613,960 alleles (0.011%); highest among the groups gnomAD compares: Admixed American, 0.015%; no homozygotes.

Submissions (2):

Labcorp Genetics (formerly Invitae), Labcorp
Classification: Likely benign. Last evaluated: 2025-07-17. Review status: criteria provided, single submitter. Criteria: Invitae Variant Classification Sherloc (09022015). Collection method: clinical testing. Allele origin: germline.

GeneDx
Classification: Uncertain significance. Last evaluated: 2019-05-23. Review status: criteria provided, single submitter. Criteria: GeneDx Variant Classification Process June 2021. Collection method: clinical testing. Allele origin: germline. Affected: yes.
Comment: In silico analysis, which includes protein predictors and evolutionary conservation, supports that this variant does not alter protein structure/function; Has not been previously published as pathogenic or benign to our knowledge

NM_003922.4(HERC1):c.9682G>A (p.Ala3228Thr)

Gene: HERC1 (HECT and RLD domain containing E3 ubiquitin protein ligase family member 1; minus strand). Cytogenetic location: 15q22.31.
Variant type: single nucleotide variant.
Coding change: c.9682G>A on transcript NM_003922.4 (MANE Select); coding-DNA position 9682, G replaced by A.
Protein change: p.Ala3228Thr; replaces alanine 3228 with threonine.
Molecular consequence: missense variant.
Genome position (GRCh38, 1-based): chr15:63,656,276, C>T on the plus strand (G>A on the coding strand, the complement: HERC1 is on the minus strand). VCF-style: chr15-63656276-C-T. GRCh37 (hg19) VCF-style: chr15-63948475-C-T.
Other names: short protein forms A3228T.
Identifiers: ClinVar variation 1318881 (VCV001318881.6), dbSNP rs201312041, ClinGen allele CA7604644.